The following is an entry in ClinVar:

NM_139076.3(ABRAXAS1):c.1162C>G (p.Pro388Ala)

Gene: ABRAXAS1 (abraxas 1, BRCA1 A complex subunit; minus strand). Cytogenetic location: 4q21.23.
Variant type: single nucleotide variant.
Coding change: c.1162C>G on transcript NM_139076.3 (MANE Select); coding-DNA position 1162, C replaced by G.
Protein change: p.Pro388Ala; replaces proline 388 with alanine.
Molecular consequence: missense variant.
Genome position (GRCh38, 1-based): chr4:83,462,537, G>C on the plus strand (C>G on the coding strand, the complement: ABRAXAS1 is on the minus strand). VCF-style: chr4-83462537-G-C. GRCh37 (hg19) VCF-style: chr4-84383690-G-C.
Other names: c.835C>G, p.Pro279Ala (NM_001345962.2); c.1162C>G (NM_139076.2); short protein forms P279A, P388A.
Identifiers: ClinVar variation 1446015 (VCV001446015.9), dbSNP rs764951890, ClinGen allele CA357254993.
Genomic context (GRCh38, chr4:83,462,537, plus strand): 5'-TAGGAGACCGTGAATATTCACCAAAACCCTTCATCTTTTCAATTTCTTCATCTGTTTCTG[G>C]GCTGCTCATTTTGGATGCTTTATCTTGGTTACTACTACCAGTATCTGCTTTAGATCGTTT-3'
Protein context (NP_620775.2, residues 378-398): NQDKASKMSS[Pro388Ala]ETDEEIEKMK

ClinVar aggregate classification (germline): Uncertain significance. Review status: criteria provided, multiple submitters, no conflicts (2 of 4 stars). 2 submissions from 2 submitters: Uncertain significance (2). Last evaluated 2025-06-08.

Submissions (2):

Ambry Genetics
Classification: Uncertain significance. Last evaluated: 2025-06-08. Review status: criteria provided, single submitter. Criteria: Ambry Variant Classification Scheme 2023. Collection method: clinical testing. Allele origin: germline.
Comment: The p.P388A variant (also known as c.1162C>G), located in coding exon 9 of the FAM175A gene, results from a C to G substitution at nucleotide position 1162. The proline at codon 388 is replaced by alanine, an amino acid with highly similar properties. This amino acid position is conserved. In addition, this alteration is predicted to be tolerated by in silico analysis. Based on the available evidence, the clinical significance of this variant remains unclear.

Labcorp Genetics (formerly Invitae), Labcorp
Classification: Uncertain significance. Last evaluated: 2022-04-01. Review status: criteria provided, single submitter. Criteria: Invitae Variant Classification Sherloc (09022015). Collection method: clinical testing. Allele origin: germline.
Comment: In summary, the available evidence is currently insufficient to determine the role of this variant in disease. Therefore, it has been classified as a Variant of Uncertain Significance. Algorithms developed to predict the effect of missense changes on protein structure and function (SIFT, PolyPhen-2, Align-GVGD) all suggest that this variant is likely to be tolerated. This variant has not been reported in the literature in individuals affected with ABRAXAS1-related conditions. This variant is present in population databases (no rsID available, gnomAD 0.0009%). This sequence change replaces proline, which is neutral and non-polar, with alanine, which is neutral and non-polar, at codon 388 of the ABRAXAS1 protein (p.Pro388Ala).